The following is an entry in ClinVar:

ClinVar aggregate classification (germline): Pathogenic/Likely pathogenic. Review status: criteria provided, multiple submitters, no conflicts (2 of 4 stars). 9 submissions from 8 submitters: Pathogenic (6); Likely pathogenic (1). 2 of the submissions do not count toward it. Last evaluated 2026-06-17.

Conditions:
ERCC2-related disorder. Also called: ERCC2-related disorders; ERCC2-related conditions; ERCC2-related condition. Identifiers: MedGen CN239291.
Xeroderma pigmentosum, group D (XPD). Also called: ERCC2-Related Xeroderma Pigmentosum; XERODERMA PIGMENTOSUM, COMPLEMENTATION GROUP D; XERODERMA PIGMENTOSUM IV; XP, GROUP D; XP, GROUP H. Identifiers: MedGen C0268138, MONDO:0010212, OMIM 278730.
Trichothiodystrophy 1, photosensitive (TTD1). Also called: TAY SYNDROME; TRICHOTHIODYSTROPHY WITH CONGENITAL ICHTHYOSIS; PIBIDS SYNDROME. Identifiers: Orphanet 33364, MedGen C1866504, MONDO:0011125, OMIM 601675.
Cerebrooculofacioskeletal syndrome 2 (COFS2). Identifiers: MedGen C1853102, MONDO:0012553, OMIM 610756.
Xeroderma pigmentosum (XP). Identifiers: Orphanet 910, MedGen C0043346, MONDO:0019600.

Allele frequency attached by ClinVar (database versions not stated): gnomAD 0.00003 and 0.00004; ExAC 0.00005; gnomAD exomes 0.00006 and 0.00007; TOPMed 0.00006.
gnomAD v4.1: 101 of 1,613,504 alleles (0.0063%); highest among the groups gnomAD compares: South Asian, 0.0088%; no homozygotes.

Submissions (9):

PreventionGenetics, part of Exact Sciences
Classification: Pathogenic for ERCC2-related condition. Last evaluated: 2026-06-17. Review status: criteria provided, single submitter. Criteria: ACMG Guidelines, 2015. Collection method: clinical testing. Allele origin: germline.
Comment: The ERCC2 c.1846C>T variant is predicted to result in the amino acid substitution p.Arg616Trp. This variant has been reported along with a second variant in individuals with trichothiodystrophy (TTD), cerebrooculofacioskeletal (COFS) syndrome, or xeroderma pigmentosum (XP) (Graham et al. 2001. PubMed ID: 11443545; Moslehi et al. 2012. PubMed ID: 22234153; Lanzafame et al. 2022. PubMed ID: 36259739; Viprakasit et al. 2001. PubMed ID: 11734544). A recombinant DNA assay shows this variant results in abolished basal transcription (Dubaele et al. 2003. PubMed ID: 12820975). This variant is consistently interpreted as likely pathogenic and pathogenic in ClinVar (Variation ID: 16788). This variant is reported in 0.0098% of alleles in individuals of South Asian descent in gnomAD. An alternate missense change at the same amino acid position (p.Arg616Pro) has been reported to be pathogenic (Broughton. 1994. PubMed ID: 7920640). This variant is interpreted as pathogenic.

Labcorp Genetics (formerly Invitae), Labcorp
Classification: Pathogenic. Last evaluated: 2026-01-19. Review status: criteria provided, single submitter. Criteria: Invitae Variant Classification Sherloc (09022015). Collection method: clinical testing. Allele origin: germline.
Comment: This sequence change replaces arginine, which is basic and polar, with tryptophan, which is neutral and slightly polar, at codon 616 of the ERCC2 protein (p.Arg616Trp). This variant is present in population databases (rs121913024, gnomAD 0.01%). This missense change has been observed in individuals with ERCC2-related conditions (PMID: 9238033, 11443545, 22234153, 27396511). This variant is also known as XPD. ClinVar contains an entry for this variant (Variation ID: 16788). Invitae Evidence Modeling of protein sequence and biophysical properties (such as structural, functional, and spatial information, amino acid conservation, physicochemical variation, residue mobility, and thermodynamic stability) indicates that this missense variant is expected to disrupt ERCC2 protein function with a positive predictive value of 80%. Experimental studies have shown that this missense change affects ERCC2 function (PMID: 25431422). This variant disrupts the p.Arg616 amino acid residue in ERCC2. Other variant(s) that disrupt this residue have been determined to be pathogenic (PMID: 7920640, 9238033, 11734544, 23221806, 23800062). This suggests that this residue is clinically significant, and that variants that disrupt this residue are likely to be disease-causing. For these reasons, this variant has been classified as Pathogenic.

GeneDx
Classification: Pathogenic. Last evaluated: 2025-04-09. Review status: criteria provided, single submitter. Criteria: GeneDx Variant Classification Process June 2021. Collection method: clinical testing. Allele origin: germline. Affected: yes.
Comment: Published functional studies demonstrate a damaging effect: R616W results in absent binding and transcriptional activity of TFIIH (PMID: 12820975); In silico analysis supports that this missense variant has a deleterious effect on protein structure/function; This variant is associated with the following publications: (PMID: 22234153, 26344056, 22617342, 9238033, 11734544, 34426522, 31589614, 36259739, 7920640, 7585650, 23800062, 24252196, 11443545, 12820975)

Fulgent Genetics
Classification: Pathogenic for Xeroderma pigmentosum, group D; Trichothiodystrophy 1, photosensitive; Cerebrooculofacioskeletal syndrome 2. Last evaluated: 2024-03-10. Review status: criteria provided, single submitter. Criteria: ACMG Guidelines, 2015. Collection method: clinical testing. Allele origin: germline.

Baylor Genetics
Classification: Pathogenic for Cerebrooculofacioskeletal syndrome 2. Last evaluated: 2023-12-27. Review status: criteria provided, single submitter. Criteria: ACMG Guidelines, 2015. Collection method: clinical testing. Allele origin: unknown.

Women's Health and Genetics/Laboratory Corporation of America, LabCorp
Classification: Pathogenic for Xeroderma pigmentosum. Last evaluated: 2022-11-08. Review status: criteria provided, single submitter. Criteria: LabCorp Variant Classification Summary - May 2015. Collection method: clinical testing. Allele origin: germline.
Comment: Variant summary: ERCC2 c.1846C>T (p.Arg616Trp) results in a non-conservative amino acid change located in the ATP-dependent helicase, C-terminal domain (IPR006555) of the encoded protein sequence. Five of five in-silico tools predict a damaging effect of the variant on protein function. The variant allele was found at a frequency of 5.6e-05 in 250884 control chromosomes. This frequency is not significantly higher than estimated for a pathogenic variant in ERCC2 causing Xeroderma Pigmentosum (5.6e-05 vs 0.00061), allowing no conclusion about variant significance. c.1846C>T has been reported in the literature as a compound heterozygous genotype in individuals affected with features of Xeroderma Pigmentosum (XP), trichothiodystrophy (TTD) and Cerebro-oculo-facio skeletal (COFS) syndrome (example, Graham_2001, Queille_2001, Viprakasit_2001, Moslehi_2012). These data indicate that the variant is likely to be associated with disease. At least one publication reports experimental evidence evaluating an impact on protein function (Dubaele_2003). The most pronounced variant effect results in abolishment of interaction with the p44 subunit of TFIIH and an inhibition of basal transcription activity. Three clinical diagnostic laboratories have submitted clinical-significance assessments for this variant to ClinVar after 2014 without evidence for independent evaluation. All laboratories classified the variant as pathogenic/likely pathogenic. Based on the evidence outlined above, the variant was classified as pathogenic.

Revvity Omics, Revvity
Classification: Likely pathogenic. Last evaluated: 2019-04-05. Review status: criteria provided, single submitter. Criteria: ACMG Guidelines, 2015. Collection method: clinical testing. Allele origin: germline.

OMIM
Classification: Pathogenic for XERODERMA PIGMENTOSUM, COMPLEMENTATION GROUP D. Last evaluated: 2001-08-01. Review status: no assertion criteria provided. Collection method: literature only. Allele origin: germline. Not counted in ClinVar's aggregate classification.

OMIM
Classification: Pathogenic for CEREBROOCULOFACIOSKELETAL SYNDROME 2. Last evaluated: 2001-08-01. Review status: no assertion criteria provided. Collection method: literature only. Allele origin: germline. Not counted in ClinVar's aggregate classification.

Literature cited by the submitters: PubMed 9238033 (cited by 3 submitters); PubMed 11443545 (cited by 3 submitters); PubMed 22234153 (cited by Labcorp Genetics (formerly Invitae), Labcorp and Women's Health and Genetics/Laboratory Corporation of America, LabCorp); PubMed 27396511 (cited by Labcorp Genetics (formerly Invitae), Labcorp); PubMed 25431422 (cited by Labcorp Genetics (formerly Invitae), Labcorp); PubMed 7920640 (cited by Labcorp Genetics (formerly Invitae), Labcorp); PubMed 11734544 (cited by Labcorp Genetics (formerly Invitae), Labcorp and Women's Health and Genetics/Laboratory Corporation of America, LabCorp); PubMed 23221806 (cited by Labcorp Genetics (formerly Invitae), Labcorp); PubMed 23800062 (cited by Labcorp Genetics (formerly Invitae), Labcorp); PubMed 12820975 (cited by Women's Health and Genetics/Laboratory Corporation of America, LabCorp); PubMed 11710928 (cited by Women's Health and Genetics/Laboratory Corporation of America, LabCorp).

NM_000400.4(ERCC2):c.1846C>T (p.Arg616Trp)

Gene: ERCC2 (ERCC excision repair 2, TFIIH core complex helicase subunit; minus strand). Cytogenetic location: 19q13.32.
Variant type: single nucleotide variant.
Coding change: c.1846C>T on transcript NM_000400.4 (MANE Select); coding-DNA position 1846, C replaced by T.
Protein change: p.Arg616Trp; replaces arginine 616 with tryptophan.
Molecular consequence: missense variant.
Genome position (GRCh38, 1-based): chr19:45,352,802, G>A on the plus strand (C>T on the coding strand, the complement: ERCC2 is on the minus strand). VCF-style: chr19-45352802-G-A. GRCh37 (hg19) VCF-style: chr19-45856060-G-A.
Other names: short protein forms R616W.
Identifiers: ClinVar variation 16788 (VCV000016788.24), dbSNP rs121913024, ClinGen allele CA126891.
Genomic context (GRCh38, chr19:45,352,802, plus strand): 5'-TCACCTTGAGAATGCGGCTCTGTGTGTAGACGTAGGGGACGCCAAACATGATGACGGCCC[G>A]CCCGTAGTGGTGCACTGGTGGGCAGAGGAGAGGGGGCGAGGGGGGTTACAAGTGTGGCTG-3'
Protein context (NP_000391.1, residues 606-626): EGIDFVHHYG[Arg616Trp]AVIMFGVPYV